The following is an entry in ClinVar:

NM_001035.3(RYR2):c.1357A>T (p.Ser453Cys)

Gene: RYR2 (ryanodine receptor 2; plus strand). Cytogenetic location: 1q43.
Variant type: single nucleotide variant.
Coding change: c.1357A>T on transcript NM_001035.3 (MANE Select); coding-DNA position 1357, A replaced by T.
Protein change: p.Ser453Cys; replaces serine 453 with cysteine.
Molecular consequence: missense variant.
Genome position (GRCh38, 1-based): chr1:237,454,455, A>T. VCF-style: chr1-237454455-A-T. GRCh37 (hg19) VCF-style: chr1-237617755-A-T.
Other names: short protein forms S453C.
Identifiers: ClinVar variation 942348 (VCV000942348.12), dbSNP rs1259104446, ClinGen allele CA345380215.
Genomic context (GRCh38, chr1:237,454,455, plus strand): 5'-CTTGATGCTCTCAGCAAGAAAGCGAAGGCTTCCACAGTCGATTTGCCTATAGAGTCCGTA[A>T]GCCTAAGTCTGCAGGATCTCATTGGCTACTTCCACCCCCCAGATGAGCATTTAGAGCATG-3'
Protein context (NP_001026.2, residues 443-463): STVDLPIESV[Ser453Cys]LSLQDLIGYF

ClinVar aggregate classification (germline): Uncertain significance. Review status: criteria provided, multiple submitters, no conflicts (2 of 4 stars). 2 submissions from 2 submitters: Uncertain significance (2). Last evaluated 2023-12-18.

Conditions:
Catecholaminergic polymorphic ventricular tachycardia 1. Also called: VENTRICULAR TACHYCARDIA, CATECHOLAMINERGIC POLYMORPHIC, 1, WITH OR WITHOUT ATRIAL DYSFUNCTION AND/OR DILATED CARDIOMYOPATHY; VENTRICULAR TACHYCARDIA, STRESS-INDUCED POLYMORPHIC 1; RYR2-Related Catecholaminergic Polymorphic Ventricular Tachycardia. Identifiers: Orphanet 3286, MedGen C1631597, MONDO:0011484, OMIM 604772.
Catecholaminergic polymorphic ventricular tachycardia (CVPT). Also called: Catecholamine-induced polymorphic ventricular tachycardia. Identifiers: Orphanet 3286, MedGen C5574922, MONDO:0017990.

Allele frequency attached by ClinVar (database versions not stated): gnomAD exomes below 0.00001; TOPMed below 0.00001.
gnomAD v4.1: 2 of 1,613,630 alleles (0.00012%); highest among the groups gnomAD compares: Admixed American, 0.0017%; no homozygotes.

Submissions (2):

All of Us Research Program, National Institutes of Health
Classification: Uncertain significance for Catecholaminergic polymorphic ventricular tachycardia. Last evaluated: 2023-12-18. Review status: criteria provided, single submitter. Criteria: ACMG Guidelines, 2015. Collection method: clinical testing. Allele origin: germline. Inheritance: Autosomal dominant inheritance. Observed: 1 variant allele, 1 heterozygote.
Comment: This missense variant replaces serine with cysteine at codon 453 of the RYR2 protein. Computational prediction suggests that this variant may not impact protein structure and function (internally defined REVEL score threshold <= 0.5, PMID: 27666373). To our knowledge, functional studies have not been reported for this variant. This variant has not been reported in individuals affected with RYR2-related disorders in the literature. This variant has been identified in 1/248620 chromosomes in the general population by the Genome Aggregation Database (gnomAD). The available evidence is insufficient to determine the role of this variant in disease conclusively. Therefore, this variant is classified as a Variant of Uncertain Significance.

This study involves interpretation of variants in research participants for the purpose of population health screening. Participant phenotype was not available at the time of variant classification. Additional details can be found in publication PMID: 35346344, PMCID: PMC8962531

Labcorp Genetics (formerly Invitae), Labcorp
Classification: Uncertain significance for Catecholaminergic polymorphic ventricular tachycardia 1. Last evaluated: 2023-08-30. Review status: criteria provided, single submitter. Criteria: Invitae Variant Classification Sherloc (09022015). Collection method: clinical testing. Allele origin: germline.
Comment: Advanced modeling of protein sequence and biophysical properties (such as structural, functional, and spatial information, amino acid conservation, physicochemical variation, residue mobility, and thermodynamic stability) performed at Invitae indicates that this missense variant is not expected to disrupt RYR2 protein function. ClinVar contains an entry for this variant (Variation ID: 942348). This variant has not been reported in the literature in individuals affected with RYR2-related conditions. In summary, the available evidence is currently insufficient to determine the role of this variant in disease. Therefore, it has been classified as a Variant of Uncertain Significance. This sequence change replaces serine, which is neutral and polar, with cysteine, which is neutral and slightly polar, at codon 453 of the RYR2 protein (p.Ser453Cys). This variant is present in population databases (no rsID available, gnomAD 0.003%).